The following is an entry in ClinVar:

ClinVar aggregate classification (germline): Likely benign (1 of 4 stars; one submission).

Conditions:
Colorectal cancer, susceptibility to, 1. Also called: COLORECTAL ADENOMA AND CANCER, SUSCEPTIBILITY TO; COLORECTAL CANCER, SUSCEPTIBILITY TO, ON CHROMOSOME 9. Identifiers: MedGen C1837315, MONDO:0012132, OMIM 608812.

Submission:

Myriad Genetics, Inc.
Classification: Likely benign for Colorectal cancer, susceptibility to, 1. Last evaluated: 2026-04-22. Review status: criteria provided, single submitter. Criteria: Myriad Autosomal Dominant, Autosomal Recessive and X-Linked Classification Criteria (2023). Collection method: clinical testing. Allele origin: unknown.
Comment: This variant is considered likely benign. This variant is intronic and is not expected to impact mRNA splicing.

NM_024642.5(GALNT12):c.1345-13A>C

Gene: GALNT12 (polypeptide N-acetylgalactosaminyltransferase 12; plus strand). Cytogenetic location: 9q22.33.
Variant type: single nucleotide variant.
Coding change: c.1345-13A>C on transcript NM_024642.5 (MANE Select); 13 bases into the intron before coding-DNA position 1345, A replaced by C.
Molecular consequence: intron variant.
Genome position (GRCh38, 1-based): chr9:98,844,083, A>C. VCF-style: chr9-98844083-A-C. GRCh37 (hg19) VCF-style: chr9-101606365-A-C.
Identifiers: ClinVar variation 4876130 (VCV004876130.1).